The following is an entry in ClinVar:

NM_007347.5(AP4E1):c.542+59G>A

Gene: AP4E1 (adaptor related protein complex 4 subunit epsilon 1; plus strand). Cytogenetic location: 15q21.2.
Variant type: single nucleotide variant.
Coding change: c.542+59G>A on transcript NM_007347.5 (MANE Select); 59 bases into the intron after coding-DNA position 542, G replaced by A.
Molecular consequence: intron variant.
Genome position (GRCh38, 1-based): chr15:50,925,278, G>A. VCF-style: chr15-50925278-G-A. GRCh37 (hg19) VCF-style: chr15-51217475-G-A.
Other names: c.317+59G>A (NM_001252127.2).
Identifiers: ClinVar variation 678001 (VCV000678001.5), dbSNP rs2306332, ClinGen allele CA15848821.
Genomic context (GRCh38, chr15:50,925,278, plus strand): 5'-AAGTAAGTAAATTCTTTTGGGATAGGCATCTATGCCATATATTTCAAAACAGAAGTTTAT[G>A]CTAGAAAATTTATTACAACTTCAGTGCTACCAGGATAGAGATTATTTGACTGCTAGGAAT-3'

ClinVar aggregate classification (germline): Benign. Review status: criteria provided, multiple submitters, no conflicts (2 of 4 stars). 3 submissions from 3 submitters: Benign (3). Last evaluated 2021-07-14.

Conditions:
Hereditary spastic paraplegia 51. Also called: CEREBRAL PALSY, SPASTIC QUADRIPLEGIC, 4; Spastic paraplegia 51, autosomal recessive. Identifiers: Orphanet 280763, MedGen C3151056, MONDO:0013401, OMIM 613744.

Allele frequency attached by ClinVar (database versions not stated): 1000 Genomes Project 30x 0.56808; 1000 Genomes Project 0.57089; TOPMed 0.59354; gnomAD 0.60579 and 0.60959; gnomAD exomes 0.61092.
gnomAD v4.1: 950,248 of 1,556,510 alleles (61%); highest among the groups gnomAD compares: Non-Finnish European, 63%; 292,460 homozygotes.

Submissions (3):

Genome-Nilou Lab
Classification: Benign for Hereditary spastic paraplegia 51. Last evaluated: 2021-07-14. Review status: criteria provided, single submitter. Criteria: ACMG Guidelines, 2015. Collection method: clinical testing. Allele origin: germline. Affected: no.

GeneDx
Classification: Benign. Last evaluated: 2018-06-14. Review status: criteria provided, single submitter. Criteria: GeneDx Variant Classification (06012015). Collection method: clinical testing. Allele origin: germline. Affected: yes.
Comment: This variant is considered likely benign or benign based on one or more of the following criteria: it is a conservative change, it occurs at a poorly conserved position in the protein, it is predicted to be benign by multiple in silico algorithms, and/or has population frequency not consistent with disease.

Breakthrough Genomics
Classification: Benign. Review status: criteria provided, single submitter. Criteria: ACMG Guidelines, 2015. Collection method: not provided. Allele origin: germline. Inheritance: Autosomal recessive inheritance. Affected: yes.